The following is an entry in ClinVar:

NM_024057.4(NUP37):c.156+9A>G

Gene: NUP37 (nucleoporin 37; minus strand). Cytogenetic location: 12q23.2.
Variant type: single nucleotide variant.
Coding change: c.156+9A>G on transcript NM_024057.4 (MANE Select); 9 bases into the intron after coding-DNA position 156, A replaced by G.
Molecular consequence: intron variant.
Genome position (GRCh38, 1-based): chr12:102,118,354, T>C on the plus strand (A>G on the coding strand, the complement: NUP37 is on the minus strand). VCF-style: chr12-102118354-T-C. GRCh37 (hg19) VCF-style: chr12-102512132-T-C.
Identifiers: ClinVar variation 3038891 (VCV003038891.3), dbSNP rs182464707, ClinGen allele CA6747790.

ClinVar aggregate classification (germline): Likely benign. Review status: criteria provided, single submitter (1 of 4 stars). 2 submissions from 2 submitters: Likely benign (1). 1 of the submissions does not count toward it. Last evaluated 2024-09-23.

Conditions:
NUP37-related disorder. Also called: NUP37-related condition.

Allele frequency attached by ClinVar (database versions not stated): gnomAD exomes 0.00030; ExAC 0.00098; gnomAD 0.00287; TOPMed 0.00331; ESP Exome Variant Server 0.00338; 1000 Genomes Project 0.00519; 1000 Genomes Project 30x 0.00531.
gnomAD v4.1: 884 of 1,609,328 alleles (0.055%); highest among the groups gnomAD compares: African/African-American, 1%; 5 homozygotes.

Submissions (2):

Blueprint Genetics
Classification: Likely benign. Last evaluated: 2024-09-23. Review status: criteria provided, single submitter. Criteria: ACMG Guidelines, 2015. Collection method: clinical testing. Allele origin: germline.

PreventionGenetics, part of Exact Sciences
Classification: Benign for NUP37-related condition. Last evaluated: 2019-05-28. Review status: no assertion criteria provided. Collection method: clinical testing. Allele origin: germline. Not counted in ClinVar's aggregate classification.
Comment: This variant is classified as benign based on ACMG/AMP sequence variant interpretation guidelines (Richards et al. 2015 PMID: 25741868, with internal and published modifications).